The following is an entry in ClinVar:

ClinVar aggregate classification (germline): Uncertain significance (1 of 4 stars; one submission).

Submission:

Labcorp Genetics (formerly Invitae), Labcorp
Classification: Uncertain significance. Last evaluated: 2023-07-17. Review status: criteria provided, single submitter. Criteria: Invitae Variant Classification Sherloc (09022015). Collection method: clinical testing. Allele origin: germline.
Comment: This variant is not present in population databases (gnomAD no frequency). In summary, the available evidence is currently insufficient to determine the role of this variant in disease. Therefore, it has been classified as a Variant of Uncertain Significance. An algorithm developed to predict the effect of missense changes on protein structure and function (PolyPhen-2) suggests that this variant is likely to be tolerated. ClinVar contains an entry for this variant (Variation ID: 2086981). This variant has not been reported in the literature in individuals affected with TOPORS-related conditions. This sequence change replaces leucine, which is neutral and non-polar, with proline, which is neutral and non-polar, at codon 449 of the TOPORS protein (p.Leu449Pro).

NM_005802.5(TOPORS):c.1346T>C (p.Leu449Pro)

Gene: TOPORS (TOP1 binding arginine/serine rich protein, E3 ubiquitin ligase; minus strand). Cytogenetic location: 9p21.1.
Variant type: single nucleotide variant.
Coding change: c.1346T>C on transcript NM_005802.5 (MANE Select); coding-DNA position 1346, T replaced by C.
Protein change: p.Leu449Pro; replaces leucine 449 with proline.
Molecular consequence: missense variant.
Genome position (GRCh38, 1-based): chr9:32,543,179, A>G on the plus strand (T>C on the coding strand, the complement: TOPORS is on the minus strand). VCF-style: chr9-32543179-A-G. GRCh37 (hg19) VCF-style: chr9-32543177-A-G.
Other names: c.1151T>C, p.Leu384Pro (NM_001195622.2); short protein forms L449P, L384P.
Identifiers: ClinVar variation 2086981 (VCV002086981.4), dbSNP rs2489451675, ClinGen allele CA373170213.